The following is an entry in ClinVar:

ClinVar aggregate classification (germline): Benign/Likely benign. Review status: criteria provided, multiple submitters, no conflicts (2 of 4 stars). 4 submissions from 4 submitters: Benign (2); Likely benign (1). 1 of the submissions does not count toward it. Last evaluated 2025-07-31.

Conditions:
HIVEP2-related disorder. Also called: HIVEP2-related condition.

Allele frequency attached by ClinVar (database versions not stated): 1000 Genomes Project 0.00080; 1000 Genomes Project 30x 0.00109.
gnomAD v4.1: 461 of 1,614,116 alleles (0.029%); highest among the groups gnomAD compares: South Asian, 0.33%; 3 homozygotes.

Submissions (4):

Labcorp Genetics (formerly Invitae), Labcorp
Classification: Benign. Last evaluated: 2025-07-31. Review status: criteria provided, single submitter. Criteria: Invitae Variant Classification Sherloc (09022015). Collection method: clinical testing. Allele origin: germline.

CeGaT Center for Human Genetics Tuebingen
Classification: Likely benign. Last evaluated: 2025-06-01. Review status: criteria provided, single submitter. Criteria: CeGaT Center For Human Genetics Tuebingen Variant Classification Criteria Version 2. Collection method: clinical testing. Allele origin: germline. Affected: yes. Observed: 1 variant allele.
Comment: HIVEP2: BP4, BP7

Genetic Services Laboratory, University of Chicago
Classification: Benign. Last evaluated: 2019-06-24. Review status: criteria provided, single submitter. Criteria: ACMG Guidelines, 2015. Collection method: clinical testing. Allele origin: germline. Affected: no.

PreventionGenetics, part of Exact Sciences
Classification: Likely benign for HIVEP2-related condition. Last evaluated: 2019-10-31. Review status: no assertion criteria provided. Collection method: clinical testing. Allele origin: germline. Not counted in ClinVar's aggregate classification.
Comment: This variant is classified as likely benign based on ACMG/AMP sequence variant interpretation guidelines (Richards et al. 2015 PMID: 25741868, with internal and published modifications).

NM_006734.4(HIVEP2):c.1722C>T (p.Asp574=)

Gene: HIVEP2 (HIVEP zinc finger 2; minus strand). Cytogenetic location: 6q24.2.
Variant type: single nucleotide variant.
Coding change: c.1722C>T on transcript NM_006734.4 (MANE Select); coding-DNA position 1722, C replaced by T.
Protein change: p.Asp574=; no amino-acid change (aspartic acid 574 retained).
Molecular consequence: synonymous variant.
Genome position (GRCh38, 1-based): chr6:142,773,017, G>A on the plus strand (C>T on the coding strand, the complement: HIVEP2 is on the minus strand). VCF-style: chr6-142773017-G-A. GRCh37 (hg19) VCF-style: chr6-143094154-G-A.
Identifiers: ClinVar variation 1337260 (VCV001337260.20), dbSNP rs559329860, ClinGen allele CA4028551.